The following is an entry in ClinVar:

ClinVar aggregate classification (germline): Uncertain significance (1 of 4 stars; one submission).

Conditions:
Multiple endocrine neoplasia, type 1 (MEN1). Also called: MEN I; WERMER SYNDROME; Endocrine adenomatosis multiple; MEN 1; MEA I. Identifiers: Orphanet 652, MedGen C0025267, MeSH D018761, MONDO:0007540, OMIM 131100.

Submission:

Labcorp Genetics (formerly Invitae), Labcorp
Classification: Uncertain significance for Multiple endocrine neoplasia, type 1. Last evaluated: 2022-07-18. Review status: criteria provided, single submitter. Criteria: Invitae Variant Classification Sherloc (09022015). Collection method: clinical testing. Allele origin: germline.
Comment: In summary, the available evidence is currently insufficient to determine the role of this variant in disease. Therefore, it has been classified as a Variant of Uncertain Significance. This sequence change falls in intron 8 of the MEN1 gene. It does not directly change the encoded amino acid sequence of the MEN1 protein. It affects a nucleotide within the consensus splice site. This variant is not present in population databases (gnomAD no frequency). This variant has not been reported in the literature in individuals affected with MEN1-related conditions. ClinVar contains an entry for this variant (Variation ID: 1474909). Variants that disrupt the consensus splice site are a relatively common cause of aberrant splicing (PMID: 17576681, 9536098). Algorithms developed to predict the effect of sequence changes on RNA splicing suggest that this variant is not likely to affect RNA splicing.

Literature cited by the submitters: PubMed 17576681; PubMed 9536098.

NM_001370259.2(MEN1):c.1185+6A>G

Gene: MEN1 (menin 1; minus strand). Cytogenetic location: 11q13.1.
Variant type: single nucleotide variant.
Coding change: c.1185+6A>G on transcript NM_001370259.2 (MANE Select); 6 bases into the intron after coding-DNA position 1185, A replaced by G.
Molecular consequence: intron variant.
Genome position (GRCh38, 1-based): chr11:64,805,629, T>C on the plus strand (A>G on the coding strand, the complement: MEN1 is on the minus strand). VCF-style: chr11-64805629-T-C. GRCh37 (hg19) VCF-style: chr11-64573101-T-C.
Other names: c.1200+6A>G (NM_130804.3, NM_130803.3, NM_000244.4 and 3 more transcripts); c.1185+6A>G (NM_130799.3, NM_001370260.2, NM_001370261.2); c.1311+6A>G (NM_001370251.2); c.1080+6A>G (NM_001370263.2, NM_001370262.2).
Identifiers: ClinVar variation 1474909 (VCV001474909.6), dbSNP rs2136107870, ClinGen allele CA2573147448.